The following is an entry in ClinVar:

ClinVar aggregate classification (germline): Conflicting classifications of pathogenicity. Review status: criteria provided, conflicting classifications (1 of 4 stars). 4 submissions from 4 submitters: Uncertain significance (1); Likely benign (2). 1 of the submissions does not count toward it. Last evaluated 2026-01-01.

Conditions:
BAAT-related disorder. Also called: BAAT-related condition.

Allele frequency attached by ClinVar (database versions not stated): gnomAD exomes 0.00002 and 0.00006; ExAC 0.00008; gnomAD 0.00020 and 0.00021; ESP Exome Variant Server 0.00023; TOPMed 0.00025.
gnomAD v4.1: 74 of 1,613,996 alleles (0.0046%); highest among the groups gnomAD compares: African/African-American, 0.047%; no homozygotes.

Submissions (4):

CeGaT Center for Human Genetics Tuebingen
Classification: Likely benign. Last evaluated: 2026-01-01. Review status: criteria provided, single submitter. Criteria: CeGaT Center For Human Genetics Tuebingen Variant Classification Criteria Version 2. Collection method: clinical testing. Allele origin: germline. Affected: yes. Observed: 1 variant allele.
Comment: BAAT: BP4, BP7

Labcorp Genetics (formerly Invitae), Labcorp
Classification: Likely benign. Last evaluated: 2025-03-07. Review status: criteria provided, single submitter. Criteria: Invitae Variant Classification Sherloc (09022015). Collection method: clinical testing. Allele origin: germline.

Eurofins Ntd Llc (ga)
Classification: Uncertain significance. Last evaluated: 2016-08-11. Review status: criteria provided, single submitter. Criteria: EGL Classification Definitions 2015. Collection method: clinical testing. Allele origin: germline. Observed: 1 variant allele, 1 heterozygote.

PreventionGenetics, part of Exact Sciences
Classification: Likely benign for BAAT-related condition. Last evaluated: 2023-06-26. Review status: no assertion criteria provided. Collection method: clinical testing. Allele origin: germline. Not counted in ClinVar's aggregate classification.
Comment: This variant is classified as likely benign based on ACMG/AMP sequence variant interpretation guidelines (Richards et al. 2015 PMID: 25741868, with internal and published modifications).

NM_001701.4(BAAT):c.1173C>T (p.His391=)

Gene: BAAT (bile acid-CoA:amino acid N-acyltransferase; minus strand). Cytogenetic location: 9q31.1.
Variant type: single nucleotide variant.
Coding change: c.1173C>T on transcript NM_001701.4 (MANE Select); coding-DNA position 1173, C replaced by T.
Protein change: p.His391=; no amino-acid change (histidine 391 retained).
Molecular consequence: synonymous variant.
Genome position (GRCh38, 1-based): chr9:101,362,512, G>A on the plus strand (C>T on the coding strand, the complement: BAAT is on the minus strand). VCF-style: chr9-101362512-G-A. GRCh37 (hg19) VCF-style: chr9-104124794-G-A.
Other names: c.1173C>T (NM_001701.3); c.1173C>T, p.His391= (NM_001127610.2, NM_001374715.1).
Identifiers: ClinVar variation 290381 (VCV000290381.13), dbSNP rs113673597, ClinGen allele CA5160549.